The following is an entry in ClinVar:

NM_001844.5(COL2A1):c.85+3A>G

Gene: COL2A1 (collagen type II alpha 1 chain; minus strand). Cytogenetic location: 12q13.11.
Variant type: single nucleotide variant.
Coding change: c.85+3A>G on transcript NM_001844.5 (MANE Select); 3 bases into the intron after coding-DNA position 85, A replaced by G.
Molecular consequence: intron variant.
Genome position (GRCh38, 1-based): chr12:48,004,234, T>C on the plus strand (A>G on the coding strand, the complement: COL2A1 is on the minus strand). VCF-style: chr12-48004234-T-C. GRCh37 (hg19) VCF-style: chr12-48398017-T-C.
Other names: c.85+3A>G (NM_033150.3).
Identifiers: ClinVar variation 2089332 (VCV002089332.4), dbSNP rs2540194026, ClinGen allele CA2580085569.

ClinVar aggregate classification (germline): Uncertain significance (1 of 4 stars; one submission).

Allele frequency attached by ClinVar (database versions not stated): gnomAD exomes below 0.00001.
gnomAD v4.1: 2 of 1,545,920 alleles (0.00013%); highest among the groups gnomAD compares: Non-Finnish European, 0.00018%; no homozygotes.

Submission:

Labcorp Genetics (formerly Invitae), Labcorp
Classification: Uncertain significance. Last evaluated: 2025-12-27. Review status: criteria provided, single submitter. Criteria: Invitae Variant Classification Sherloc (09022015). Collection method: clinical testing. Allele origin: germline.
Comment: This sequence change falls in intron 1 of the COL2A1 gene. It does not directly change the encoded amino acid sequence of the COL2A1 protein. It affects a nucleotide within the consensus splice site. This variant is not present in population databases (gnomAD no frequency). This variant has not been reported in the literature in individuals affected with COL2A1-related conditions. ClinVar contains an entry for this variant (Variation ID: 2089332). Variants that disrupt the consensus splice site are a relatively common cause of aberrant splicing (PMID: 17576681, 9536098). Algorithms developed to predict the effect of sequence changes on RNA splicing suggest that this variant may disrupt the consensus splice site. In summary, the available evidence is currently insufficient to determine the role of this variant in disease. Therefore, it has been classified as a Variant of Uncertain Significance.

Literature cited by the submitters: PubMed 17576681; PubMed 9536098.